The following is an entry in ClinVar:

NM_014727.3(KMT2B):c.2422CAG[6] (p.Gln812_Lys813insGln)

Gene: KMT2B (lysine methyltransferase 2B; plus strand). Cytogenetic location: 19q13.12.
Variant type: Microsatellite.
Coding change: c.2422CAG[6] on transcript NM_014727.3 (MANE Select); six copies in a row of the 3-base unit CAG starting at c.2422; the reference has five copies in a row; one copy, 3 bases duplicated.
Protein change: p.Gln812_Lys813insGln.
Molecular consequence: inframe insertion.
Genome position (GRCh38, 1-based): chr19:35,721,781-35,721,783, CAG duplicated; duplicating any 3 consecutive bases within chr19:35,721,769-35,721,783 gives the same sequence; the position shown is the placement nearest the transcript's 3' end. VCF-style (leftmost placement, unchanged base first): chr19-35721768-T-TCAG. GRCh37 (hg19) VCF-style: chr19-36212670-T-TCAG.
Other names: c.2421_2422insCAG (NM_014727.3).
Identifiers: ClinVar variation 1698411 (VCV001698411.4), dbSNP rs750525059, ClinGen allele CA9384431.

ClinVar aggregate classification (germline): Uncertain significance. Review status: criteria provided, multiple submitters, no conflicts (2 of 4 stars). 2 submissions from 2 submitters: Uncertain significance (2). Last evaluated 2023-07-07.

Conditions:
Dystonia 28, childhood-onset (DYT28). Also called: KMT2B-Related Dystonia (DYT-KMT2B). Identifiers: Orphanet 589618, MedGen C4310633, MONDO:0015004, OMIM 617284.

Submissions (2):

Labcorp Genetics (formerly Invitae), Labcorp
Classification: Uncertain significance. Last evaluated: 2023-07-07. Review status: criteria provided, single submitter. Criteria: Invitae Variant Classification Sherloc (09022015). Collection method: clinical testing. Allele origin: germline.
Comment: This variant, c.2434_2436dup, results in the insertion of 1 amino acid(s) of the KMT2B protein (p.Gln812dup), but otherwise preserves the integrity of the reading frame. This variant is present in population databases (rs750525059, gnomAD 0.04%). This variant has not been reported in the literature in individuals affected with KMT2B-related conditions. In summary, the available evidence is currently insufficient to determine the role of this variant in disease. Therefore, it has been classified as a Variant of Uncertain Significance.

Department of Neurology, Xijing Hospital, Fourth Military Medical University
Classification: Uncertain significance for Dystonia 28, childhood-onset. Last evaluated: 2022-03-01. Review status: criteria provided, single submitter. Criteria: ACMG Guidelines, 2015. Collection method: clinical testing. Allele origin: germline.